The following is an entry in ClinVar:

NM_000051.4(ATM):c.5178-10T>C

Gene: ATM (ATM serine/threonine kinase; plus strand). Cytogenetic location: 11q22.3.
Variant type: single nucleotide variant.
Coding change: c.5178-10T>C on transcript NM_000051.4 (MANE Select); 10 bases into the intron before coding-DNA position 5178, T replaced by C.
Molecular consequence: intron variant.
Genome position (GRCh38, 1-based): chr11:108,301,638, T>C. VCF-style: chr11-108301638-T-C. GRCh37 (hg19) VCF-style: chr11-108172365-T-C.
Other names: c.5178-10T>C (NM_001351834.2).
Identifiers: ClinVar variation 3253756 (VCV003253756.1), dbSNP rs1565476613.
Genomic context (GRCh38, chr11:108,301,638, plus strand): 5'-CAGTGGAGGTTAACATTCATCAAGATTAATAACTGGTGTACTTGATAGGCATTTGAATTG[T>C]TTTTTTCAGTGTCAAAGTTCGATCAGCAGCTGTTACCTGTTTGAAAAACATTTTAGCCAC-3'

ClinVar aggregate classification (germline): Likely benign (1 of 4 stars; one submission).

Conditions:
Familial cancer of breast. Also called: BREAST CANCER, FAMILIAL; Hereditary breast cancer; hereditary breast carcinoma. Identifiers: Orphanet 227535, MedGen C0346153, MONDO:0016419, OMIM 114480. Disease mechanism: loss of function.

Submission:

Myriad Genetics, Inc.
Classification: Likely benign for Familial cancer of breast. Last evaluated: 2024-05-22. Review status: criteria provided, single submitter. Criteria: Myriad Autosomal Dominant, Autosomal Recessive and X-Linked Classification Criteria (2023). Collection method: clinical testing. Allele origin: unknown.
Comment: This variant is considered likely benign. This variant is intronic and is not expected to impact mRNA splicing.